The following is an entry in ClinVar:

ClinVar aggregate classification (germline): Conflicting classifications of pathogenicity. Review status: criteria provided, conflicting classifications (1 of 4 stars). 7 submissions from 7 submitters: Uncertain significance (1); Likely benign (6). Last evaluated 2026-02-03.

Conditions:
Hereditary cancer-predisposing syndrome. Also called: Hereditary neoplastic syndrome; Tumor predisposition; Neoplastic Syndromes, Hereditary; Hereditary Cancer Syndrome. Identifiers: Orphanet 140162, MedGen C0027672, MeSH D009386, MONDO:0015356.
Familial cancer of breast. Also called: Hereditary breast cancer; hereditary breast carcinoma; BREAST CANCER, FAMILIAL. Identifiers: Orphanet 227535, MedGen C0346153, MONDO:0016419, OMIM 114480. Disease mechanism: loss of function.

Allele frequency attached by ClinVar (database versions not stated): gnomAD exomes below 0.00001; ExAC 0.00001; gnomAD 0.00001.
gnomAD v4.1: 19 of 1,610,350 alleles (0.0012%); highest among the groups gnomAD compares: Non-Finnish European, 0.0015%; no homozygotes.

Submissions (7):

Labcorp Genetics (formerly Invitae), Labcorp
Classification: Likely benign for Familial cancer of breast. Last evaluated: 2026-02-03. Review status: criteria provided, single submitter. Criteria: Invitae Variant Classification Sherloc (09022015). Collection method: clinical testing. Allele origin: germline.

Myriad Genetics, Inc.
Classification: Likely benign for Familial cancer of breast. Last evaluated: 2025-01-16. Review status: criteria provided, single submitter. Criteria: Myriad Autosomal Dominant, Autosomal Recessive and X-Linked Classification Criteria (2023). Collection method: clinical testing. Allele origin: unknown.
Comment: This variant is considered likely benign. This variant is intronic and is not expected to impact mRNA splicing.

Blueprint Genetics
Classification: Likely benign. Last evaluated: 2023-07-18. Review status: criteria provided, single submitter. Criteria: ACMG Guidelines, 2015. Collection method: clinical testing. Allele origin: germline.

Sema4
Classification: Uncertain significance for Hereditary cancer-predisposing syndrome. Last evaluated: 2021-09-16. Review status: criteria provided, single submitter. Criteria: Sema4 Curation Guidelines. Collection method: curation. Allele origin: germline.
Comment: The PALB2 c.2515-11T>C variant has not been reported in the literature to our knowledge. It was observed in 2/129154 chromosomes of the Non-Finnish European subpopulation in the large and broad cohorts of the Genome Aggregation Database (PMID: 32461654). The variant has been reported in ClinVar (Variation ID: 560874). Splice site prediction tools suggest the variant does not disrupt normal splicing, however these predictions have not been confirmed by transcriptional studies. The evidence is insufficient to meet ACMG/AMP criteria for classifying the variant as benign or pathogenic. Thus, the clinical significance of this variant is currently uncertain.

GeneDx
Classification: Likely benign. Last evaluated: 2019-10-15. Review status: criteria provided, single submitter. Criteria: GeneDx Variant Classification Process June 2021. Collection method: clinical testing. Allele origin: germline. Affected: yes.
Comment: This variant is associated with the following publications: (PMID: 26564480)

Color Diagnostics, LLC DBA Color Health
Classification: Likely benign for Hereditary cancer-predisposing syndrome. Last evaluated: 2018-04-20. Review status: criteria provided, single submitter. Criteria: ACMG Guidelines, 2015. Collection method: clinical testing. Allele origin: germline.

PreventionGenetics, part of Exact Sciences
Classification: Likely benign. Last evaluated: 2017-10-26. Review status: criteria provided, single submitter. Criteria: ACMG Guidelines, 2015. Collection method: clinical testing. Allele origin: germline.

NM_024675.4(PALB2):c.2515-11T>C

Gene: PALB2 (partner and localizer of BRCA2; minus strand). Cytogenetic location: 16p12.2.
Variant type: single nucleotide variant.
Coding change: c.2515-11T>C on transcript NM_024675.4 (MANE Select); 11 bases into the intron before coding-DNA position 2515, T replaced by C.
Molecular consequence: intron variant.
Genome position (GRCh38, 1-based): chr16:23,629,286, A>G on the plus strand (T>C on the coding strand, the complement: PALB2 is on the minus strand). VCF-style: chr16-23629286-A-G. GRCh37 (hg19) VCF-style: chr16-23640607-A-G.
Identifiers: ClinVar variation 560874 (VCV000560874.16), dbSNP rs780521904, ClinGen allele CA7963546.
Genomic context (GRCh38, chr16:23,629,286, plus strand): 5'-AGGTTGCCTGGGTTTATGCTATCAGAAGCAGGAAGCTCTGCTGTTTCAGTCTGTGAAAAC[A>G]AAAGTCACATCATTAGTCTACACTTTATGTATAATGTCTGCCTGCATTACCCACTCATCA-3'